The following is an entry in ClinVar:

NM_002161.6(IARS1):c.3410-2A>G

Gene: IARS1 (isoleucyl-tRNA synthetase 1; minus strand). Cytogenetic location: 9q22.31.
Variant type: single nucleotide variant.
Coding change: c.3410-2A>G on transcript NM_002161.6 (MANE Select); the canonical splice acceptor site of the intron before coding-DNA position 3410, A replaced by G.
Molecular consequence: splice acceptor variant. On other transcripts: synonymous variant (1), intron variant (5).
Genome position (GRCh38, 1-based): chr9:92,223,491, T>C on the plus strand (A>G on the coding strand, the complement: IARS1 is on the minus strand). VCF-style: chr9-92223491-T-C. GRCh37 (hg19) VCF-style: chr9-94985773-T-C.
Other names: c.3429A>G, p.Leu1143= (NM_001378572.1); c.3410-2A>G (NM_001378573.1, NM_001378586.1, NM_001378574.1 and 3 more transcripts); c.3287-2A>G (NM_001378583.1); c.3326-2A>G (NM_001374301.1); c.3314-2A>G (NM_001378582.1); c.3335-62A>G (NM_001378584.1); c.3335-2A>G (NM_001374299.1, NM_001374300.1); c.3368-2A>G (NM_001378577.1); and 4 more.
Identifiers: ClinVar variation 4704699 (VCV004704699.1).

ClinVar aggregate classification (germline): Likely pathogenic (1 of 4 stars; one submission).

gnomAD v4.1: 2 of 1,606,952 alleles (0.00012%); highest among the groups gnomAD compares: Admixed American, 0.0017%; no homozygotes.

Submission:

Labcorp Genetics (formerly Invitae), Labcorp
Classification: Likely pathogenic. Last evaluated: 2025-04-04. Review status: criteria provided, single submitter. Criteria: Invitae Variant Classification Sherloc (09022015). Collection method: clinical testing. Allele origin: germline.
Comment: This sequence change affects an acceptor splice site in intron 31 of the IARS gene. It is expected to disrupt RNA splicing. Variants that disrupt the donor or acceptor splice site typically lead to a loss of protein function (PMID: 16199547), and loss-of-function variants in IARS are known to be pathogenic (PMID: 27426735, 27891590). This variant is present in population databases (no rsID available, gnomAD 0.003%). This variant has not been reported in the literature in individuals affected with IARS-related conditions. Algorithms developed to predict the effect of sequence changes on RNA splicing suggest that this variant may disrupt the consensus splice site. In summary, the currently available evidence indicates that the variant is pathogenic, but additional data are needed to prove that conclusively. Therefore, this variant has been classified as Likely Pathogenic.

Literature cited by the submitters: PubMed 16199547; PubMed 27426735; PubMed 27891590.